The following is an entry in ClinVar:

NM_022437.3(ABCG8):c.1570G>A (p.Gly524Ser)

Gene: ABCG8 (ATP binding cassette subfamily G member 8; plus strand). Cytogenetic location: 2p21.
Variant type: single nucleotide variant.
Coding change: c.1570G>A on transcript NM_022437.3 (MANE Select); coding-DNA position 1570, G replaced by A.
Protein change: p.Gly524Ser; replaces glycine 524 with serine.
Molecular consequence: missense variant.
Genome position (GRCh38, 1-based): chr2:43,875,227, G>A. VCF-style: chr2-43875227-G-A. GRCh37 (hg19) VCF-style: chr2-44102366-G-A.
Other names: c.1567G>A, p.Gly523Ser (NM_001357321.2); short protein forms G523S, G524S.
Identifiers: ClinVar variation 4753809 (VCV004753809.1).

ClinVar aggregate classification (germline): Uncertain significance (1 of 4 stars; one submission).

gnomAD v4.1: 3 of 1,614,102 alleles (0.00019%); highest among the groups gnomAD compares: Admixed American, 0.0033%; no homozygotes.

Submission:

Labcorp Genetics (formerly Invitae), Labcorp
Classification: Uncertain significance. Last evaluated: 2025-04-22. Review status: criteria provided, single submitter. Criteria: Invitae Variant Classification Sherloc (09022015). Collection method: clinical testing. Allele origin: germline.
Comment: This sequence change replaces glycine, which is neutral and non-polar, with serine, which is neutral and polar, at codon 524 of the ABCG8 protein (p.Gly524Ser). This variant is present in population databases (no rsID available, gnomAD 0.006%). This variant has not been reported in the literature in individuals affected with ABCG8-related conditions. Invitae Evidence Modeling of protein sequence and biophysical properties (such as structural, functional, and spatial information, amino acid conservation, physicochemical variation, residue mobility, and thermodynamic stability) indicates that this missense variant is not expected to disrupt ABCG8 protein function with a negative predictive value of 80%. In summary, the available evidence is currently insufficient to determine the role of this variant in disease. Therefore, it has been classified as a Variant of Uncertain Significance.